The following is an entry in ClinVar:

ClinVar aggregate classification (germline): Likely benign. Review status: criteria provided, multiple submitters, no conflicts (2 of 4 stars). 3 submissions from 3 submitters: Likely benign (3). Last evaluated 2026-09-02.

Conditions:
TFG-related disorder. Also called: TFG-related condition; TFG-related disorders.
Hereditary spastic paraplegia 57. Also called: Spastic paraplegia 57, autosomal recessive. Identifiers: Orphanet 431329, MedGen C3714897, MONDO:0014295, OMIM 615658.
Hereditary motor and sensory neuropathy, Okinawa type (HMSNO). Also called: HEREDITARY MOTOR AND SENSORY NEUROPATHY, PROXIMAL TYPE. Identifiers: Orphanet 90117, MedGen C1858338, MONDO:0011468, OMIM 604484.

Allele frequency attached by ClinVar (database versions not stated): gnomAD exomes 0.00003 and 0.00011; ExAC 0.00016; 1000 Genomes Project 30x 0.00031; 1000 Genomes Project 0.00040; gnomAD 0.00048 and 0.00051; TOPMed 0.00050; ESP Exome Variant Server 0.00092.
gnomAD v4.1: 123 of 1,612,760 alleles (0.0076%); highest among the groups gnomAD compares: African/African-American, 0.15%; no homozygotes.

Submissions (3):

PreventionGenetics, part of Exact Sciences
Classification: Likely benign for TFG-related condition. Last evaluated: 2026-09-02. Review status: criteria provided, single submitter. Criteria: ACMG Guidelines, 2015. Collection method: clinical testing. Allele origin: germline.
Comment: This variant is classified as likely benign based on ACMG/AMP sequence variant interpretation guidelines (Richards et al. 2015 PMID: 25741868, with internal and published modifications).

Labcorp Genetics (formerly Invitae), Labcorp
Classification: Likely benign for Hereditary motor and sensory neuropathy, Okinawa type; Hereditary spastic paraplegia 57. Last evaluated: 2025-09-29. Review status: criteria provided, single submitter. Criteria: Invitae Variant Classification Sherloc (09022015). Collection method: clinical testing. Allele origin: germline.

Mayo Clinic Laboratories, Mayo Clinic
Classification: Likely benign. Last evaluated: 2025-07-31. Review status: criteria provided, single submitter. Criteria: ACMG Guidelines, 2015. Collection method: clinical testing. Allele origin: germline. Observed: 1 variant allele.
Comment: BS1, BP4_moderate

NM_006070.6(TFG):c.457T>G (p.Ser153Ala)

Gene: TFG (trafficking from ER to golgi regulator; plus strand). Cytogenetic location: 3q12.2.
Variant type: single nucleotide variant.
Coding change: c.457T>G on transcript NM_006070.6 (MANE Select); coding-DNA position 457, T replaced by G.
Protein change: p.Ser153Ala; replaces serine 153 with alanine.
Molecular consequence: missense variant.
Genome position (GRCh38, 1-based): chr3:100,732,549, T>G. VCF-style: chr3-100732549-T-G. GRCh37 (hg19) VCF-style: chr3-100451393-T-G.
Other names: p.Ser153Ala; c.457T>G, p.Ser153Ala (NM_001007565.2, NM_001195478.2, NM_001195479.2); short protein forms S153A.
Identifiers: ClinVar variation 703909 (VCV000703909.13), dbSNP rs140466338, ClinGen allele CA2517089.
Genomic context (GRCh38, chr3:100,732,549, plus strand): 5'-TATTCCTCTATTTTTACAGATACTGTGGATGGTAGGGAAGAAAAGTCTGCTTCTGATTCT[T>G]CTGGAAAACAGTCTACTCAGGTTATGGCAGCAAGTATGTCTGCTTTTGATCCTTTAAAAA-3'
Protein context (NP_006061.2, residues 143-163): GREEKSASDS[Ser153Ala]GKQSTQVMAA